The following is an entry in ClinVar:

ClinVar aggregate classification (germline): Uncertain significance (1 of 4 stars; one submission).

Submission:

Labcorp Genetics (formerly Invitae), Labcorp
Classification: Uncertain significance. Last evaluated: 2024-03-20. Review status: criteria provided, single submitter. Criteria: Invitae Variant Classification Sherloc (09022015). Collection method: clinical testing. Allele origin: germline.
Comment: This sequence change replaces glutamine, which is neutral and polar, with arginine, which is basic and polar, at codon 228 of the SON protein (p.Gln228Arg). This variant is not present in population databases (gnomAD no frequency). This variant has not been reported in the literature in individuals affected with SON-related conditions. Algorithms developed to predict the effect of missense changes on protein structure and function output the following: SIFT: "Not Available"; PolyPhen-2: "Benign"; Align-GVGD: "Not Available". The arginine amino acid residue is found in multiple mammalian species, which suggests that this missense change does not adversely affect protein function. In summary, the available evidence is currently insufficient to determine the role of this variant in disease. Therefore, it has been classified as a Variant of Uncertain Significance.

NM_138927.4(SON):c.683A>G (p.Gln228Arg)

Gene: SON (SON DNA and RNA binding protein; plus strand). Cytogenetic location: 21q22.11.
Variant type: single nucleotide variant.
Coding change: c.683A>G on transcript NM_138927.4 (MANE Select); coding-DNA position 683, A replaced by G.
Protein change: p.Gln228Arg; replaces glutamine 228 with arginine.
Molecular consequence: missense variant. On other transcripts: non-coding transcript variant (1), intron variant (1).
Genome position (GRCh38, 1-based): chr21:33,549,914, A>G. VCF-style: chr21-33549914-A-G. GRCh37 (hg19) VCF-style: chr21-34922220-A-G.
Other names: c.683A>G, p.Gln228Arg (NM_001291411.2, NM_032195.3); c.244+3535A>G (NM_001291412.3); short protein forms Q228R.
Identifiers: ClinVar variation 3646968 (VCV003646968.2).